The following is an entry in ClinVar:

NM_000153.4(GALC):c.19T>C (p.Ser7Pro)

Gene: GALC (galactosylceramidase; minus strand). Cytogenetic location: 14q31.3.
Variant type: single nucleotide variant.
Coding change: c.19T>C on transcript NM_000153.4 (MANE Select); coding-DNA position 19, T replaced by C.
Protein change: p.Ser7Pro; replaces serine 7 with proline.
Molecular consequence: missense variant. On other transcripts: 5 prime UTR variant (3), non-coding transcript variant (1), intron variant (2).
Genome position (GRCh38, 1-based): chr14:87,993,146, A>G on the plus strand (T>C on the coding strand, the complement: GALC is on the minus strand). VCF-style: chr14-87993146-A-G. GRCh37 (hg19) VCF-style: chr14-88459490-A-G.
Other names: c.19T>C, p.Ser7Pro (NM_001201401.2); c.-252T>C (NM_001424072.1); c.-418T>C (NM_001424075.1); c.-649T>C (NM_001424077.1); c.-473+237T>C (NM_001424076.1); c.117+237T>C (NM_001201402.2); short protein forms S7P.
Identifiers: ClinVar variation 3098026 (VCV003098026.2), dbSNP rs1887304079, ClinGen allele CA390772118.

ClinVar aggregate classification (germline): Uncertain significance. Review status: criteria provided, multiple submitters, no conflicts (2 of 4 stars). 2 submissions from 2 submitters: Uncertain significance (2). Last evaluated 2024-07-24.

Conditions:
Galactosylceramide beta-galactosidase deficiency. Also called: GALACTOCEREBROSIDASE DEFICIENCY; GALC DEFICIENCY; GLOBOID CELL LEUKOENCEPHALOPATHY; Leukodystrophy, Globoid Cell; Krabbe Disease. Identifiers: Orphanet 487, MedGen C0023521, MONDO:0009499, OMIM 245200.
Inborn genetic diseases. Identifiers: MedGen C0950123, MeSH D030342.

Allele frequency attached by ClinVar (database versions not stated): gnomAD exomes below 0.00001; TOPMed 0.00001.
gnomAD v4.1: 1 of 1,584,152 alleles (0.000063%); highest among the groups gnomAD compares: African/African-American, 0.0013%; no homozygotes.

Submissions (2):

Labcorp Genetics (formerly Invitae), Labcorp
Classification: Uncertain significance for Galactosylceramide beta-galactosidase deficiency. Last evaluated: 2024-07-24. Review status: criteria provided, single submitter. Criteria: Invitae Variant Classification Sherloc (09022015). Collection method: clinical testing. Allele origin: germline.
Comment: This sequence change replaces serine, which is neutral and polar, with proline, which is neutral and non-polar, at codon 7 of the GALC protein (p.Ser7Pro). This variant is not present in population databases (gnomAD no frequency). This variant has not been reported in the literature in individuals affected with GALC-related conditions. Advanced modeling of protein sequence and biophysical properties (such as structural, functional, and spatial information, amino acid conservation, physicochemical variation, residue mobility, and thermodynamic stability) performed at Invitae indicates that this missense variant is not expected to disrupt GALC protein function with a negative predictive value of 95%. In summary, the available evidence is currently insufficient to determine the role of this variant in disease. Therefore, it has been classified as a Variant of Uncertain Significance.

Ambry Genetics
Classification: Uncertain significance for Inborn genetic diseases. Last evaluated: 2024-01-02. Review status: criteria provided, single submitter. Criteria: Ambry Variant Classification Scheme 2023. Collection method: clinical testing. Allele origin: germline.